The following is an entry in ClinVar:

ClinVar aggregate classification (germline): Conflicting classifications of pathogenicity. Review status: criteria provided, conflicting classifications (1 of 4 stars). 2 submissions from 2 submitters: Uncertain significance (1); Likely benign (1). Last evaluated 2023-07-25.

Allele frequency attached by ClinVar (database versions not stated): TOPMed 0.00001.
gnomAD v4.1: 5 of 1,613,160 alleles (0.00031%); highest among the groups gnomAD compares: African/African-American, 0.0067%; no homozygotes.

Submissions (2):

Labcorp Genetics (formerly Invitae), Labcorp
Classification: Likely benign. Last evaluated: 2023-07-25. Review status: criteria provided, single submitter. Criteria: Invitae Variant Classification Sherloc (09022015). Collection method: clinical testing. Allele origin: germline.

GeneDx
Classification: Uncertain significance. Last evaluated: 2023-07-18. Review status: criteria provided, single submitter. Criteria: GeneDx Variant Classification Process June 2021. Collection method: clinical testing. Allele origin: germline. Affected: yes.
Comment: In silico analysis supports that this missense variant does not alter protein structure/function; Has not been previously published as pathogenic or benign to our knowledge

NM_194248.3(OTOF):c.718C>G (p.Pro240Ala)

Gene: OTOF (otoferlin; minus strand). Cytogenetic location: 2p23.3.
Variant type: single nucleotide variant.
Coding change: c.718C>G on transcript NM_194248.3 (MANE Select); coding-DNA position 718, C replaced by G.
Protein change: p.Pro240Ala; replaces proline 240 with alanine.
Molecular consequence: missense variant.
Genome position (GRCh38, 1-based): chr2:26,501,801, G>C on the plus strand (C>G on the coding strand, the complement: OTOF is on the minus strand). VCF-style: chr2-26501801-G-C. GRCh37 (hg19) VCF-style: chr2-26724669-G-C.
Other names: c.718C>G, p.Pro240Ala (NM_001287489.2); short protein forms P240A.
Identifiers: ClinVar variation 2999947 (VCV002999947.4), dbSNP rs759273810, ClinGen allele CA1564528.